The following is an entry in ClinVar:

ClinVar aggregate classification (germline): Uncertain significance. Review status: criteria provided, multiple submitters, no conflicts (2 of 4 stars). 3 submissions from 3 submitters: Uncertain significance (3). Last evaluated 2026-06-22.

Conditions:
Inborn genetic diseases. Identifiers: MedGen C0950123, MeSH D030342.

Allele frequency attached by ClinVar (database versions not stated): gnomAD exomes 0.00002.
gnomAD v4.1: 29 of 1,613,848 alleles (0.0018%); highest among the groups gnomAD compares: Non-Finnish European, 0.0025%; no homozygotes.

Submissions (3):

GeneDx
Classification: Uncertain significance. Last evaluated: 2026-06-22. Review status: criteria provided, single submitter. Criteria: GeneDx Variant Classification Process June 2021. Collection method: clinical testing. Allele origin: germline.
Comment: Not observed at significant frequency in large population cohorts (gnomAD); In silico analysis supports that this missense variant has a deleterious effect on protein structure/function; Has not been previously published as pathogenic or benign to our knowledge

Labcorp Genetics (formerly Invitae), Labcorp
Classification: Uncertain significance. Last evaluated: 2025-03-14. Review status: criteria provided, single submitter. Criteria: Invitae Variant Classification Sherloc (09022015). Collection method: clinical testing. Allele origin: germline.
Comment: This sequence change replaces glutamic acid, which is acidic and polar, with valine, which is neutral and non-polar, at codon 363 of the ASXL2 protein (p.Glu363Val). This variant is not present in population databases (gnomAD no frequency). This variant has not been reported in the literature in individuals affected with ASXL2-related conditions. ClinVar contains an entry for this variant (Variation ID: 2663591). Invitae Evidence Modeling of protein sequence and biophysical properties (such as structural, functional, and spatial information, amino acid conservation, physicochemical variation, residue mobility, and thermodynamic stability) has been performed for this missense variant. However, the output from this modeling did not meet the statistical confidence thresholds required to predict the impact of this variant on ASXL2 protein function. In summary, the available evidence is currently insufficient to determine the role of this variant in disease. Therefore, it has been classified as a Variant of Uncertain Significance.

Ambry Genetics
Classification: Uncertain significance for Inborn genetic diseases. Last evaluated: 2025-01-08. Review status: criteria provided, single submitter. Criteria: Ambry Variant Classification Scheme 2023. Collection method: clinical testing. Allele origin: germline.

NM_018263.6(ASXL2):c.1088A>T (p.Glu363Val)

Gene: ASXL2 (ASXL transcriptional regulator 2; minus strand). Cytogenetic location: 2p23.3.
Variant type: single nucleotide variant.
Coding change: c.1088A>T on transcript NM_018263.6 (MANE Select); coding-DNA position 1088, A replaced by T.
Protein change: p.Glu363Val; replaces glutamic acid 363 with valine.
Molecular consequence: missense variant.
Genome position (GRCh38, 1-based): chr2:25,753,588, T>A on the plus strand (A>T on the coding strand, the complement: ASXL2 is on the minus strand). VCF-style: chr2-25753588-T-A. GRCh37 (hg19) VCF-style: chr2-25976457-T-A.
Other names: c.914A>T, p.Glu305Val (NM_001369346.1); c.308A>T, p.Glu103Val (NM_001369347.1); short protein forms E103V, E305V, E363V.
Identifiers: ClinVar variation 2663591 (VCV002663591.4), dbSNP rs2465319597, ClinGen allele CA346077757.